The following is an entry in ClinVar:

ClinVar aggregate classification (germline): Conflicting classifications of pathogenicity. Review status: criteria provided, conflicting classifications (1 of 4 stars). 2 submissions from 2 submitters: Uncertain significance (1); Likely benign (1). Last evaluated 2025-07-21.

Conditions:
Oligodontia-cancer predisposition syndrome. Also called: TOOTH AGENESIS-COLORECTAL CANCER SYNDROME. Identifiers: Orphanet 300576, MedGen C1837750, MONDO:0012075, OMIM 608615. Disease mechanism: loss of function.
Hereditary cancer-predisposing syndrome. Also called: Hereditary Cancer Syndrome; Hereditary neoplastic syndrome; Tumor predisposition; Neoplastic Syndromes, Hereditary. Identifiers: Orphanet 140162, MedGen C0027672, MeSH D009386, MONDO:0015356.

Submissions (2):

Labcorp Genetics (formerly Invitae), Labcorp
Classification: Uncertain significance for Oligodontia-cancer predisposition syndrome. Last evaluated: 2025-07-21. Review status: criteria provided, single submitter. Criteria: Invitae Variant Classification Sherloc (09022015). Collection method: clinical testing. Allele origin: germline.
Comment: This sequence change replaces threonine, which is neutral and polar, with isoleucine, which is neutral and non-polar, at codon 680 of the AXIN2 protein (p.Thr680Ile). This variant is not present in population databases (gnomAD no frequency). This variant has not been reported in the literature in individuals affected with AXIN2-related conditions. ClinVar contains an entry for this variant (Variation ID: 842400). Invitae Evidence Modeling of protein sequence and biophysical properties (such as structural, functional, and spatial information, amino acid conservation, physicochemical variation, residue mobility, and thermodynamic stability) indicates that this missense variant is not expected to disrupt AXIN2 protein function with a negative predictive value of 80%. In summary, the available evidence is currently insufficient to determine the role of this variant in disease. Therefore, it has been classified as a Variant of Uncertain Significance.

Ambry Genetics
Classification: Likely benign for Hereditary cancer-predisposing syndrome. Last evaluated: 2025-03-06. Review status: criteria provided, single submitter. Criteria: Ambry Variant Classification Scheme 2023. Collection method: clinical testing. Allele origin: germline.

NM_004655.4(AXIN2):c.2039C>T (p.Thr680Ile)

Gene: AXIN2 (axin 2; minus strand). Cytogenetic location: 17q24.1.
Variant type: single nucleotide variant.
Coding change: c.2039C>T on transcript NM_004655.4 (MANE Select); coding-DNA position 2039, C replaced by T.
Protein change: p.Thr680Ile; replaces threonine 680 with isoleucine.
Molecular consequence: missense variant.
Genome position (GRCh38, 1-based): chr17:65,536,422, G>A on the plus strand (C>T on the coding strand, the complement: AXIN2 is on the minus strand). VCF-style: chr17-65536422-G-A. GRCh37 (hg19) VCF-style: chr17-63532540-G-A.
Other names: c.1844C>T, p.Thr615Ile (NM_001363813.1); short protein forms T615I, T680I.
Identifiers: ClinVar variation 842400 (VCV000842400.11), dbSNP rs2043917074, ClinGen allele CA400676109.